The following is an entry in ClinVar:

ClinVar aggregate classification (germline): Pathogenic (1 of 4 stars; one submission).

Conditions:
Mucopolysaccharidosis type 1. Also called: IDUA deficiency; MPS I; Mucopolysaccharidosis Type I. Identifiers: Orphanet 579, MedGen C0023786, MONDO:0001586.

Submission:

Myriad Genetics, Inc.
Classification: Pathogenic for Mucopolysaccharidosis type 1. Last evaluated: 2023-11-22. Review status: criteria provided, single submitter. Criteria: Myriad Autosomal Dominant, Autosomal Recessive and X-Linked Classification Criteria (2023). Collection method: clinical testing. Allele origin: unknown.
Comment: NM_000203.3(IDUA):c.1632_1644del13(E545Gfs*11) is expected to be pathogenic in the context of mucopolysaccharidosis type I. This variant is predicted to lead to an abnormal or absent protein product due to the creation of a premature termination codon in IDUA, a gene where loss-of-function variants are known to be pathogenic. Please note: this variant was assessed in the context of healthy population screening.

NM_000203.5(IDUA):c.1632_1644del (p.Glu545fs)

Gene: IDUA (alpha-L-iduronidase; plus strand). Cytogenetic location: 4p16.3.
Variant type: Deletion.
Coding change: c.1632_1644del on transcript NM_000203.5 (MANE Select); coding-DNA positions 1632 to 1644, 13 bases deleted (CGAGAAGCCGCCC).
Protein change: p.Glu545fs; shifts the reading frame from glutamic acid 545.
Molecular consequence: frameshift variant. On other transcripts: non-coding transcript variant (1).
Genome position (GRCh38, 1-based): chr4:1,003,452-1,003,464, CGAGAAGCCGCCC deleted; deleting any 13 consecutive bases within chr4:1,003,447-1,003,464 gives the same sequence; the c. name uses the placement nearest the transcript's 3' end. VCF-style (leftmost placement, unchanged base first): chr4-1003446-GCGCCCCGAGAAGC-G. GRCh37 (hg19) VCF-style: chr4-997234-GCGCCCCGAGAAGC-G.
Other names: c.1236_1248del, p.Glu413fs (NM_001363576.1); short protein forms E413fs, E545fs.
Identifiers: ClinVar variation 5012514 (VCV005012514.1).